The following is an entry in ClinVar:

ClinVar aggregate classification (germline): Uncertain significance (1 of 4 stars; one submission).

Conditions:
ALG8 congenital disorder of glycosylation. Also called: CONGENITAL DISORDER OF GLYCOSYLATION, TYPE Ih; CDG Ih; ALG8-CDG. Identifiers: Orphanet 79325, MedGen C2931002, MONDO:0011969, OMIM 608104.

Submission:

Juno Genomics, Hangzhou Juno Genomics, Inc
Classification: Uncertain significance for ALG8 congenital disorder of glycosylation. Review status: criteria provided, single submitter. Criteria: ACMG Guidelines, 2015. Collection method: clinical testing. Allele origin: germline.
Comment: Absent from controls (or at extremely low frequency if recessive) in Genome Aggregation Database.;Multiple lines of computational evidence support a deleterious effect on the gene or gene product.

NM_024079.5(ALG8):c.101C>G (p.Ser34Cys)

Gene: ALG8 (ALG8 alpha-1,3-glucosyltransferase; minus strand). Cytogenetic location: 11q14.1.
Variant type: single nucleotide variant.
Coding change: c.101C>G on transcript NM_024079.5 (MANE Select); coding-DNA position 101, C replaced by G.
Protein change: p.Ser34Cys; replaces serine 34 with cysteine.
Molecular consequence: missense variant. On other transcripts: 5 prime UTR variant (4), non-coding transcript variant (2), intron variant (4).
Genome position (GRCh38, 1-based): chr11:78,127,431, G>C on the plus strand (C>G on the coding strand, the complement: ALG8 is on the minus strand). VCF-style: chr11-78127431-G-C. GRCh37 (hg19) VCF-style: chr11-77838477-G-C.
Other names: c.-164C>G (NM_001425234.1, NM_001425239.1); c.101C>G, p.Ser34Cys (NM_001425237.1, NM_001425238.1, NM_001425240.1 and 14 more transcripts); c.-412C>G (NM_001425241.1); c.-450C>G (NM_001425242.1); c.96-3339C>G (NM_001425231.1); c.22-3217C>G (NM_001425235.1, NM_001425226.1, NM_001425236.1); c.104C>G, p.Ser35Cys (NM_001425219.1); short protein forms S35C, S34C.
Identifiers: ClinVar variation 5004998 (VCV005004998.2).